The following is an entry in ClinVar:

ClinVar aggregate classification (germline): Likely benign. Review status: criteria provided, multiple submitters, no conflicts (2 of 4 stars). 3 submissions from 3 submitters: Likely benign (3). Last evaluated 2026-01-27.

Conditions:
Familial sleep-related hypermotor epilepsy. Also called: Autosomal Dominant Sleep-Related Hypermotor (Hyperkinetic) Epilepsy. Identifiers: Orphanet 98784, MedGen C3696898, MONDO:0000030.

Allele frequency attached by ClinVar (database versions not stated): gnomAD 0.00001 and 0.00002; TOPMed 0.00003; ExAC 0.00004; 1000 Genomes Project 30x 0.00016; 1000 Genomes Project 0.00020.
gnomAD v4.1: 62 of 1,610,856 alleles (0.0038%); highest among the groups gnomAD compares: Middle Eastern, 0.017%; no homozygotes.

Submissions (3):

Labcorp Genetics (formerly Invitae), Labcorp
Classification: Likely benign. Last evaluated: 2026-01-27. Review status: criteria provided, single submitter. Criteria: Invitae Variant Classification Sherloc (09022015). Collection method: clinical testing. Allele origin: germline.

Blueprint Genetics
Classification: Likely benign. Last evaluated: 2024-10-16. Review status: criteria provided, single submitter. Criteria: ACMG Guidelines, 2015. Collection method: clinical testing. Allele origin: germline.

GeneDx
Classification: Likely benign. Last evaluated: 2016-08-08. Review status: criteria provided, single submitter. Criteria: GeneDx Variant Classification (06012015). Collection method: clinical testing. Allele origin: germline. Affected: yes.
Comment: This variant is considered likely benign or benign based on one or more of the following criteria: it is a conservative change, it occurs at a poorly conserved position in the protein, it is predicted to be benign by multiple in silico algorithms, and/or has population frequency not consistent with disease.

NM_000742.4(CHRNA2):c.1335G>C (p.Gly445=)

Gene: CHRNA2 (cholinergic receptor nicotinic alpha 2 subunit; minus strand). Cytogenetic location: 8p21.2.
Variant type: single nucleotide variant.
Coding change: c.1335G>C on transcript NM_000742.4 (MANE Select); coding-DNA position 1335, G replaced by C.
Protein change: p.Gly445=; no amino-acid change (glycine 445 retained).
Molecular consequence: synonymous variant.
Genome position (GRCh38, 1-based): chr8:27,463,108, C>G on the plus strand (G>C on the coding strand, the complement: CHRNA2 is on the minus strand). VCF-style: chr8-27463108-C-G. GRCh37 (hg19) VCF-style: chr8-27320625-C-G.
Other names: p.G445G:GGG>GGC; c.1290G>C, p.Gly430= (NM_001282455.2); c.858G>C, p.Gly286= (NM_001347705.2, NM_001347706.2); c.741G>C, p.Gly247= (NM_001347707.2, NM_001347708.2).
Identifiers: ClinVar variation 204949 (VCV000204949.12), dbSNP rs544902151, ClinGen allele CA313421.